The following is an entry in ClinVar:

ClinVar aggregate classification (germline): Uncertain significance (1 of 4 stars; one submission).

Conditions:
Cardiovascular phenotype. Identifiers: MedGen CN230736.

Submission:

Ambry Genetics
Classification: Uncertain significance for Cardiovascular phenotype. Last evaluated: 2022-01-17. Review status: criteria provided, single submitter. Criteria: Ambry Variant Classification Scheme 2023. Collection method: clinical testing. Allele origin: germline.
Comment: The p.L629F variant (also known as c.1885C>T), located in coding exon 1 of the ZNF469 gene, results from a C to T substitution at nucleotide position 1885. The leucine at codon 629 is replaced by phenylalanine, an amino acid with highly similar properties. This amino acid position is conserved. In addition, this alteration is predicted to be tolerated by in silico analysis. Since supporting evidence is limited at this time, the clinical significance of this alteration remains unclear.

NM_001367624.2(ZNF469):c.1885C>T (p.Leu629Phe)

Gene: ZNF469 (zinc finger protein 469; plus strand). Cytogenetic location: 16q24.2.
Variant type: single nucleotide variant.
Coding change: c.1885C>T on transcript NM_001367624.2 (MANE Select); coding-DNA position 1885, C replaced by T.
Protein change: p.Leu629Phe; replaces leucine 629 with phenylalanine.
Molecular consequence: missense variant.
Genome position (GRCh38, 1-based): chr16:88,429,355, C>T. VCF-style: chr16-88429355-C-T. GRCh37 (hg19) VCF-style: chr16-88495763-C-T.
Other names: NM_001127464.1:c.1885C>T; short protein forms L629F.
Identifiers: ClinVar variation 1781966 (VCV001781966.2), dbSNP rs2507576552, ClinGen allele CA397069068.